The following is an entry in ClinVar:

NM_000341.4(SLC3A1):c.1394T>C (p.Met465Thr)

Gene: SLC3A1 (solute carrier family 3 member 1; plus strand). Cytogenetic location: 2p21.
Variant type: single nucleotide variant.
Coding change: c.1394T>C on transcript NM_000341.4 (MANE Select); coding-DNA position 1394, T replaced by C.
Protein change: p.Met465Thr; replaces methionine 465 with threonine.
Molecular consequence: missense variant.
Genome position (GRCh38, 1-based): chr2:44,312,647, T>C. VCF-style: chr2-44312647-T-C. GRCh37 (hg19) VCF-style: chr2-44539786-T-C.
Other names: short protein forms M465T.
Identifiers: ClinVar variation 2994262 (VCV002994262.4), dbSNP rs1672327827, ClinGen allele CA346684475.
Genomic context (GRCh38, chr2:44,312,647, plus strand): 5'-TTGGTGGACCAGACAGTTCACGGCTGACTTCGCGTTTGGGGAATCAGTATGTCAACGTGA[T>C]GAACATGCTTCTTTTCACACTCCCTGGAACTCCTATAACTTACTATGGAGAAGAAATTGG-3'
Protein context (NP_000332.2, residues 455-475): SRLGNQYVNV[Met465Thr]NMLLFTLPGT

ClinVar aggregate classification (germline): Uncertain significance. Review status: criteria provided, multiple submitters, no conflicts (2 of 4 stars). 2 submissions from 2 submitters: Uncertain significance (2). Last evaluated 2024-02-22.

Conditions:
Cystinuria (CSNU). Also called: CYSTINURIA, TYPE I; CYSTINURIA, TYPE II; CYSTINURIA, TYPE III; Cystinuria, non-type I. Identifiers: Orphanet 214, MedGen C0010691, MONDO:0009067, OMIM 220100, HP:0003131.

Allele frequency attached by ClinVar (database versions not stated): gnomAD exomes below 0.00001; TOPMed below 0.00001.
gnomAD v4.1: 1 of 1,613,986 alleles (0.000062%); highest among the groups gnomAD compares: Non-Finnish European, 0.000085%; no homozygotes.

Submissions (2):

Fulgent Genetics
Classification: Uncertain significance for Cystinuria. Last evaluated: 2024-02-22. Review status: criteria provided, single submitter. Criteria: ACMG Guidelines, 2015. Collection method: clinical testing. Allele origin: germline.

Labcorp Genetics (formerly Invitae), Labcorp
Classification: Uncertain significance for Cystinuria. Last evaluated: 2023-06-22. Review status: criteria provided, single submitter. Criteria: Invitae Variant Classification Sherloc (09022015). Collection method: clinical testing. Allele origin: germline.
Comment: In summary, the available evidence is currently insufficient to determine the role of this variant in disease. Therefore, it has been classified as a Variant of Uncertain Significance. Advanced modeling of protein sequence and biophysical properties (such as structural, functional, and spatial information, amino acid conservation, physicochemical variation, residue mobility, and thermodynamic stability) has been performed at Invitae for this missense variant, however the output from this modeling did not meet the statistical confidence thresholds required to predict the impact of this variant on SLC3A1 protein function. This variant has not been reported in the literature in individuals affected with SLC3A1-related conditions. This variant is not present in population databases (gnomAD no frequency). This sequence change replaces methionine, which is neutral and non-polar, with threonine, which is neutral and polar, at codon 465 of the SLC3A1 protein (p.Met465Thr).